The following is an entry in ClinVar:

ClinVar aggregate classification (germline): Uncertain significance (1 of 4 stars; one submission).

Conditions:
RASopathy. Also called: rasopathies; Noonan spectrum disorder. Identifiers: Orphanet 536391, MedGen C5555857, MONDO:0021060.

Submission:

Labcorp Genetics (formerly Invitae), Labcorp
Classification: Uncertain significance for RASopathy. Last evaluated: 2025-08-02. Review status: criteria provided, single submitter. Criteria: Invitae Variant Classification Sherloc (09022015). Collection method: clinical testing. Allele origin: germline.
Comment: This sequence change replaces threonine, which is neutral and polar, with alanine, which is neutral and non-polar, at codon 20 of the NRAS protein (p.Thr20Ala). This variant is not present in population databases (gnomAD no frequency). This variant has not been reported in the literature in individuals affected with NRAS-related conditions. Invitae Evidence Modeling of protein sequence and biophysical properties (such as structural, functional, and spatial information, amino acid conservation, physicochemical variation, residue mobility, and thermodynamic stability) indicates that this missense variant is expected to disrupt NRAS protein function with a positive predictive value of 95%. In summary, the available evidence is currently insufficient to determine the role of this variant in disease. Therefore, it has been classified as a Variant of Uncertain Significance.

NM_002524.5(NRAS):c.58A>G (p.Thr20Ala)

Gene: NRAS (NRAS proto-oncogene, GTPase; minus strand). Cytogenetic location: 1p13.2.
Variant type: single nucleotide variant.
Coding change: c.58A>G on transcript NM_002524.5 (MANE Select); coding-DNA position 58, A replaced by G.
Protein change: p.Thr20Ala; replaces threonine 20 with alanine.
Molecular consequence: missense variant.
Genome position (GRCh38, 1-based): chr1:114,716,103, T>C on the plus strand (A>G on the coding strand, the complement: NRAS is on the minus strand). VCF-style: chr1-114716103-T-C. GRCh37 (hg19) VCF-style: chr1-115258724-T-C.
Other names: short protein forms T20A.
Identifiers: ClinVar variation 4799926 (VCV004799926.1).